The following is an entry in ClinVar:

ClinVar aggregate classification (germline): Uncertain significance (1 of 4 stars; one submission).

Conditions:
Niemann-Pick disease, type C1. Also called: NEUROVISCERAL STORAGE DISEASE WITH VERTICAL SUPRANUCLEAR OPHTHALMOPLEGIA; NIEMANN-PICK DISEASE WITH CHOLESTEROL ESTERIFICATION BLOCK; NIEMANN-PICK DISEASE WITHOUT SPHINGOMYELINASE DEFICIENCY; NIEMANN-PICK DISEASE, CHRONIC NEURONOPATHIC FORM; NIEMANN-PICK DISEASE, VARIANT TYPE C1. Identifiers: Orphanet 646, MedGen C3179455, MONDO:0009757, OMIM 257220.

gnomAD v4.1: 1 of 1,613,616 alleles (0.000062%); highest among the groups gnomAD compares: Non-Finnish European, 0.000085%; no homozygotes.

Submission:

Myriad Genetics, Inc.
Classification: Uncertain significance for Niemann-Pick disease, type C1. Last evaluated: 2025-12-04. Review status: criteria provided, single submitter. Criteria: Myriad Autosomal Dominant, Autosomal Recessive and X-Linked Classification Criteria (2023). Collection method: clinical testing. Allele origin: unknown.
Comment: NM_000271.4(NPC1):c.3571C>T(L1191F) is a missense variant classified as a variant of uncertain significance in the context of Niemann-Pick disease type C1. L1191F has been observed in a case with relevant disease (PMID: 19252935). Relevant functional assessments of this variant are available in the literature (PMID: 23430855, 31509197, 31699992, 28193631). L1191F has not been observed in referenced population frequency databases. In summary, there is insufficient evidence to classify NM_000271.4(NPC1):c.3571C>T(L1191F) as pathogenic or benign. Please note: this variant was assessed in the context of healthy population screening.

Literature cited by the submitters: PubMed 19252935; PubMed 23430855; PubMed 28193631; PubMed 31509197; PubMed 31699992.

NM_000271.5(NPC1):c.3571C>T (p.Leu1191Phe)

Gene: NPC1 (NPC intracellular cholesterol transporter 1; minus strand). Cytogenetic location: 18q11.2.
Variant type: single nucleotide variant.
Coding change: c.3571C>T on transcript NM_000271.5 (MANE Select); coding-DNA position 3571, C replaced by T.
Protein change: p.Leu1191Phe; replaces leucine 1191 with phenylalanine.
Molecular consequence: missense variant.
Genome position (GRCh38, 1-based): chr18:23,534,466, G>A on the plus strand (C>T on the coding strand, the complement: NPC1 is on the minus strand). VCF-style: chr18-23534466-G-A. GRCh37 (hg19) VCF-style: chr18-21114430-G-A.
Other names: short protein forms L1191F.
Identifiers: ClinVar variation 5003213 (VCV005003213.1).
Genomic context (GRCh38, chr18:23,534,466, plus strand): 5'-GGTGCGACTCTGCCGGCGTGGCCCTGCTCAGGGTACTCACGGAGCTGCCCATGTGGGCAA[G>A]TGCCTCTTCCGCGCGCTCCACGCGGCTGCCTTTCATGCTCACCGTGAACGCTCTGGTTAT-3'
Protein context (NP_000262.2, residues 1181-1201): GSRVERAEEA[Leu1191Phe]AHMGSSVFSG